The following is an entry in ClinVar:

NM_001358921.2(COQ2):c.730A>T (p.Thr244Ser)

Gene: COQ2 (coenzyme Q2, polyprenyltransferase; minus strand). Cytogenetic location: 4q21.23.
Variant type: single nucleotide variant.
Coding change: c.730A>T on transcript NM_001358921.2 (MANE Select); coding-DNA position 730, A replaced by T.
Protein change: p.Thr244Ser; replaces threonine 244 with serine.
Molecular consequence: missense variant.
Genome position (GRCh38, 1-based): chr4:83,269,892, T>A on the plus strand (A>T on the coding strand, the complement: COQ2 is on the minus strand). VCF-style: chr4-83269892-T-A. GRCh37 (hg19) VCF-style: chr4-84191045-T-A.
Other names: c.880A>T, p.Thr294Ser (NM_015697.9); short protein forms T294S, T244S.
Identifiers: ClinVar variation 1477419 (VCV001477419.8), dbSNP rs772053921, ClinGen allele CA2988518.

ClinVar aggregate classification (germline): Uncertain significance (1 of 4 stars; one submission).

Allele frequency attached by ClinVar (database versions not stated): ExAC 0.00001.

Submission:

Labcorp Genetics (formerly Invitae), Labcorp
Classification: Uncertain significance. Last evaluated: 2021-06-23. Review status: criteria provided, single submitter. Criteria: Invitae Variant Classification Sherloc (09022015). Collection method: clinical testing. Allele origin: germline.
Comment: This variant is present in population databases (rs772053921, ExAC 0.002%). This sequence change replaces threonine with serine at codon 294 of the COQ2 protein (p.Thr294Ser). The threonine residue is highly conserved and there is a small physicochemical difference between threonine and serine. In summary, the available evidence is currently insufficient to determine the role of this variant in disease. Therefore, it has been classified as a Variant of Uncertain Significance. Algorithms developed to predict the effect of missense changes on protein structure and function are either unavailable or do not agree on the potential impact of this missense change (SIFT: "Tolerated"; PolyPhen-2: "Possibly Damaging"; Align-GVGD: "Class C0"). This variant has not been reported in the literature in individuals with COQ2-related conditions.